The following is an entry in ClinVar:

ClinVar aggregate classification (germline): Uncertain significance (1 of 4 stars; one submission).

gnomAD v4.1: 5 of 1,613,942 alleles (0.00031%); highest among the groups gnomAD compares: South Asian, 0.0055%; no homozygotes.

Submission:

Labcorp Genetics (formerly Invitae), Labcorp
Classification: Uncertain significance. Last evaluated: 2023-07-07. Review status: criteria provided, single submitter. Criteria: Invitae Variant Classification Sherloc (09022015). Collection method: clinical testing. Allele origin: germline.
Comment: Advanced modeling of protein sequence and biophysical properties (such as structural, functional, and spatial information, amino acid conservation, physicochemical variation, residue mobility, and thermodynamic stability) has been performed at Invitae for this missense variant, however the output from this modeling did not meet the statistical confidence thresholds required to predict the impact of this variant on USH2A protein function. ClinVar contains an entry for this variant (Variation ID: 1714897). This variant has not been reported in the literature in individuals affected with USH2A-related conditions. This variant is present in population databases (rs771074875, gnomAD 0.006%). This sequence change replaces proline, which is neutral and non-polar, with threonine, which is neutral and polar, at codon 118 of the USH2A protein (p.Pro118Thr). In summary, the available evidence is currently insufficient to determine the role of this variant in disease. Therefore, it has been classified as a Variant of Uncertain Significance.

NM_206933.4(USH2A):c.352C>A (p.Pro118Thr)

Gene: USH2A (usherin; minus strand). Cytogenetic location: 1q41.
Variant type: single nucleotide variant.
Coding change: c.352C>A on transcript NM_206933.4 (MANE Select); coding-DNA position 352, C replaced by A.
Protein change: p.Pro118Thr; replaces proline 118 with threonine.
Molecular consequence: missense variant.
Genome position (GRCh38, 1-based): chr1:216,421,985, G>T on the plus strand (C>A on the coding strand, the complement: USH2A is on the minus strand). VCF-style: chr1-216421985-G-T. GRCh37 (hg19) VCF-style: chr1-216595327-G-T.
Other names: c.352C>A, p.Pro118Thr (NM_007123.6); short protein forms P118T.
Identifiers: ClinVar variation 1714897 (VCV001714897.5), dbSNP rs771074875, ClinGen allele CA1396813.